The following is an entry in ClinVar:

NM_013328.4(PYCR2):c.752G>T (p.Arg251Leu)

Gene: PYCR2 (pyrroline-5-carboxylate reductase 2; minus strand). Cytogenetic location: 1q42.12.
Variant type: single nucleotide variant.
Coding change: c.752G>T on transcript NM_013328.4 (MANE Select); coding-DNA position 752, G replaced by T.
Protein change: p.Arg251Leu; replaces arginine 251 with leucine.
Molecular consequence: missense variant.
Genome position (GRCh38, 1-based): chr1:225,921,253, C>A on the plus strand (G>T on the coding strand, the complement: PYCR2 is on the minus strand). VCF-style: chr1-225921253-C-A. GRCh37 (hg19) VCF-style: chr1-226108953-C-A.
Other names: c.530G>T, p.Arg177Leu (NM_001271681.2); short protein forms R177L, R251L.
Identifiers: ClinVar variation 4881769 (VCV004881769.2).
Genomic context (GRCh38, chr1:225,921,253, plus strand): 5'-GCGGGATGGACTCACCGTGTTCGGATACAGGAGGCCTCAACTGCATTGATGAGCAGAGAG[C>A]GGAAGCCCCCACTCTCTAGAAAGTGCAGGGCGTGGATGGTGGCTCCCCCAGGGGAGCAGA-3'
Protein context (NP_037460.2, residues 241-261): ALHFLESGGF[Arg251Leu]SLLINAVEAS

ClinVar aggregate classification (germline): Uncertain significance (1 of 4 stars; one submission).

Conditions:
Leukodystrophy, hypomyelinating, 10. Also called: PYCR2-related microcephaly-progressive leukoencephalopathy. Identifiers: Orphanet 481152, MedGen C4225332, MONDO:0014632, OMIM 616420.

Submission:

Dasa
Classification: Uncertain significance for Leukodystrophy, hypomyelinating, 10. Last evaluated: 2026-02-24. Review status: criteria provided, single submitter. Criteria: DASA Assertion Criteria. Collection method: clinical testing. Allele origin: germline.
Comment: NM_013328.4(PYCR2):c.752G>T (p.Arg251Leu) is a missense variant that results in the substitution of arginine with leucine. The affected residue or protein region has prior evidence supporting clinical relevance. This variant is absent from population databases. Computational prediction algorithms are consistent with a deleterious effect. The currently available literature and clinical evidence are not sufficient to establish a definitive association between this variant and the reported condition. Therefore, this variant is classified as a variant of uncertain significance.